The following is an entry in ClinVar:

ClinVar aggregate classification (germline): Uncertain significance (1 of 4 stars; one submission).

Allele frequency attached by ClinVar (database versions not stated): gnomAD exomes below 0.00001.
gnomAD v4.1: 3 of 1,605,158 alleles (0.00019%); highest among the groups gnomAD compares: Non-Finnish European, 0.00026%; no homozygotes.

Submission:

Labcorp Genetics (formerly Invitae), Labcorp
Classification: Uncertain significance. Last evaluated: 2025-01-06. Review status: criteria provided, single submitter. Criteria: Invitae Variant Classification Sherloc (09022015). Collection method: clinical testing. Allele origin: germline.
Comment: This sequence change replaces glycine, which is neutral and non-polar, with serine, which is neutral and polar, at codon 149 of the CCT2 protein (p.Gly149Ser). This variant is not present in population databases (gnomAD no frequency). This variant has not been reported in the literature in individuals affected with CCT2-related conditions. ClinVar contains an entry for this variant (Variation ID: 2133645). An algorithm developed to predict the effect of missense changes on protein structure and function (PolyPhen-2) suggests that this variant is likely to be tolerated. In summary, the available evidence is currently insufficient to determine the role of this variant in disease. Therefore, it has been classified as a Variant of Uncertain Significance.

NM_006431.3(CCT2):c.445G>A (p.Gly149Ser)

Gene: CCT2 (chaperonin containing TCP1 subunit 2; plus strand). Cytogenetic location: 12q15.
Variant type: single nucleotide variant.
Coding change: c.445G>A on transcript NM_006431.3 (MANE Select); coding-DNA position 445, G replaced by A.
Protein change: p.Gly149Ser; replaces glycine 149 with serine.
Molecular consequence: missense variant.
Genome position (GRCh38, 1-based): chr12:69,588,261, G>A. VCF-style: chr12-69588261-G-A. GRCh37 (hg19) VCF-style: chr12-69982041-G-A.
Other names: c.304G>A, p.Gly102Ser (NM_001198842.2); short protein forms G149S, G102S.
Identifiers: ClinVar variation 2133645 (VCV002133645.4), dbSNP rs2498991922, ClinGen allele CA385725321.